The following is an entry in ClinVar:

NM_001267550.2(TTN):c.27608-21_27608-18del

Gene: TTN (titin; minus strand). Cytogenetic location: 2q31.2.
Variant type: Microsatellite.
Coding change: c.27608-21_27608-18del on transcript NM_001267550.2 (MANE Select); 21 bases into the intron before coding-DNA position 27608 through 18 bases into the intron before coding-DNA position 27608, 4 bases deleted (GATT; older notation c.27608-21_27608-18delGATT).
Molecular consequence: intron variant.
Genome position (GRCh38, 1-based): chr2:178,712,240-178,712,243, AATC deleted on the plus strand (GATT on the coding strand, the reverse complement: TTN is on the minus strand); deleting any 4 consecutive bases within chr2:178,712,240-178,712,248 gives the same sequence; the c. name uses the placement nearest the transcript's 3' end. VCF-style (leftmost placement, unchanged base first): chr2-178712239-TAATC-T. GRCh37 (hg19) VCF-style: chr2-179576966-TAATC-T.
Other names: c.26657-21_26657-18delGATT (NM_001256850.1); c.23876-21_23876-18delGATT (NM_133378.4); c.13282+25839_13282+25842del (NM_003319.4); c.13858+25839_13858+25842del (NM_133437.4); c.13657+25839_13657+25842del (NM_133432.3); c.23876-21_23876-18del (NM_133378.4); c.26657-21_26657-18del (NM_001256850.1).
Identifiers: ClinVar variation 418690 (VCV000418690.12), dbSNP rs760040610, ClinGen allele CA1999766.
Genomic context (GRCh38, chr2:178,712,239, plus strand): 5'-AGACACCTTAACCGGCTCCAACTGCTTGACAAAATACGGTGGTTCTGCAGCCAAGAGAGA[TAATC>T]AATCAGTCATGAAGGAGACATGCCAGATCATCGATTGTATACAAAGATAAAAATGTGCAA-3'

ClinVar aggregate classification (germline): Likely benign. Review status: criteria provided, multiple submitters, no conflicts (2 of 4 stars). 3 submissions from 3 submitters: Likely benign (3). Last evaluated 2026-02-03.

Conditions:
Dilated cardiomyopathy 1G (CMD1G). Identifiers: Orphanet 154, MedGen C1858763, MONDO:0011400, OMIM 604145.
Autosomal recessive limb-girdle muscular dystrophy type 2J (LGMDR10). Also called: Limb-girdle muscular dystrophy, type 2J; MUSCULAR DYSTROPHY, LIMB-GIRDLE, AUTOSOMAL RECESSIVE 10. Identifiers: Orphanet 140922, MedGen C1837342, MONDO:0012127, OMIM 608807.

Submissions (3):

Labcorp Genetics (formerly Invitae), Labcorp
Classification: Likely benign for Dilated cardiomyopathy 1G; Autosomal recessive limb-girdle muscular dystrophy type 2J. Last evaluated: 2026-02-03. Review status: criteria provided, single submitter. Criteria: Invitae Variant Classification Sherloc (09022015). Collection method: clinical testing. Allele origin: germline.

Women's Health and Genetics/Laboratory Corporation of America, LabCorp
Classification: Likely benign. Last evaluated: 2023-10-02. Review status: criteria provided, single submitter. Criteria: LabCorp Variant Classification Summary - May 2015. Collection method: clinical testing. Allele origin: germline.
Comment: Variant summary: TTN c.23876-21_23876-18delGATT alters a non-conserved nucleotide located at a position not widely known to affect splicing. Consensus agreement among computation tools predict no significant impact on normal splicing. However, these predictions have yet to be confirmed by functional studies. The variant allele was found at a frequency of 6.1e-05 in 247066 control chromosomes. This frequency is not significantly higher than estimated for a pathogenic variant in TTN causing Dilated Cardiomyopathy (6.1e-05 vs 0.00039), allowing no conclusion about variant significance. To our knowledge, no occurrence of c.23876-21_23876-18delGATT in individuals affected with Dilated Cardiomyopathy and no experimental evidence demonstrating its impact on protein function have been reported. Two submitters have cited clinical-significance assessments for this variant to ClinVar after 2014. All submitters classified the variant as likely benign. Based on the evidence outlined above, the variant was classified as likely benign.

GeneDx
Classification: Likely benign. Last evaluated: 2018-01-30. Review status: criteria provided, single submitter. Criteria: GeneDx Variant Classification (06012015). Collection method: clinical testing. Allele origin: germline. Affected: yes.
Comment: This variant is considered likely benign or benign based on one or more of the following criteria: it is a conservative change, it occurs at a poorly conserved position in the protein, it is predicted to be benign by multiple in silico algorithms, and/or has population frequency not consistent with disease.